The following is an entry in ClinVar:

NM_016580.4(PCDH12):c.2260G>A (p.Glu754Lys)

Genes: PCDH12 (protocadherin 12; minus strand), RNF14 (ring finger protein 14; plus strand). Cytogenetic location: 5q31.3.
Variant type: single nucleotide variant.
Coding change: c.2260G>A on transcript NM_016580.4 (MANE Select); coding-DNA position 2260, G replaced by A.
Protein change: p.Glu754Lys; replaces glutamic acid 754 with lysine.
Molecular consequence: missense variant.
Genome position (GRCh38, 1-based): chr5:141,955,592, C>T on the plus strand (G>A on the coding strand, the complement: PCDH12 is on the minus strand). VCF-style: chr5-141955592-C-T. GRCh37 (hg19) VCF-style: chr5-141335157-C-T.
Other names: c.2260G>A (NM_016580.2); short protein forms E754K.
Identifiers: ClinVar variation 1498144 (VCV001498144.4), dbSNP rs144320220, ClinGen allele CA3484242.
Genomic context (GRCh38, chr5:141,955,592, plus strand): 5'-CTGCCTTCTGAATGTGTTTCTGGGGCCTCTTGGGCTGCTGGCGGTAGGTGGACTCGGCCT[C>T]CCGACAGTTGTAGGCCCTGTTGTCCTTCTTTTCTGTCCGGCAGATGGACATGAACAAAGC-3'
Protein context (NP_057664.1, residues 744-764): KKDNRAYNCR[Glu754Lys]AESTYRQQPK

ClinVar aggregate classification (germline): Uncertain significance. Review status: criteria provided, multiple submitters, no conflicts (2 of 4 stars). 2 submissions from 2 submitters: Uncertain significance (2). Last evaluated 2022-01-27.

Conditions:
Inborn genetic diseases. Identifiers: MedGen C0950123, MeSH D030342.

Allele frequency attached by ClinVar (database versions not stated): ExAC 0.00002; gnomAD exomes 0.00002; TOPMed 0.00008; gnomAD 0.00011; ESP Exome Variant Server 0.00015.
gnomAD v4.1: 38 of 1,614,076 alleles (0.0024%); highest among the groups gnomAD compares: African/African-American, 0.048%; no homozygotes.

Submissions (2):

Labcorp Genetics (formerly Invitae), Labcorp
Classification: Uncertain significance. Last evaluated: 2022-01-27. Review status: criteria provided, single submitter. Criteria: Invitae Variant Classification Sherloc (09022015). Collection method: clinical testing. Allele origin: germline.
Comment: This sequence change replaces glutamic acid, which is acidic and polar, with lysine, which is basic and polar, at codon 754 of the PCDH12 protein (p.Glu754Lys). This variant is present in population databases (rs144320220, gnomAD 0.02%). This variant has not been reported in the literature in individuals affected with PCDH12-related conditions. Advanced modeling of protein sequence and biophysical properties (such as structural, functional, and spatial information, amino acid conservation, physicochemical variation, residue mobility, and thermodynamic stability) performed at Invitae indicates that this missense variant is not expected to disrupt PCDH12 protein function. In summary, the available evidence is currently insufficient to determine the role of this variant in disease. Therefore, it has been classified as a Variant of Uncertain Significance.

Ambry Genetics
Classification: Uncertain significance for Inborn genetic diseases. Last evaluated: 2021-08-17. Review status: criteria provided, single submitter. Criteria: Ambry Variant Classification Scheme 2023. Collection method: clinical testing. Allele origin: germline.